The following is an entry in ClinVar:

ClinVar aggregate classification (germline): Uncertain significance. Review status: criteria provided, single submitter (1 of 4 stars). 2 submissions from 2 submitters: Uncertain significance (1). 1 of the submissions does not count toward it. Last evaluated 2017-04-10.

Conditions:
Familial dysautonomia. Also called: FD; HSAN III. Identifiers: Orphanet 1764, MedGen C0013364, MONDO:0009131, OMIM 223900. Disease mechanism: loss of function.

Allele frequency attached by ClinVar (database versions not stated): gnomAD 0.00001; TOPMed 0.00001; ESP Exome Variant Server 0.00008.

Submissions (2):

GeneDx
Classification: Uncertain significance. Last evaluated: 2017-04-10. Review status: criteria provided, single submitter. Criteria: GeneDx Variant Classification (06012015). Collection method: clinical testing. Allele origin: germline. Affected: yes.
Comment: A variant of uncertain significance has been identified in the IKBKAP gene. The R1133H variant has not been published as a pathogenic variant, nor has it been reported as a benign variant to our knowledge. The R1133H variant is observed in 3/66736 alleles from individuals of European background (Lek et al., 2016; 1000 Genomes Consortium et al., 2015; Exome Variant Server). The R1133H variant is a conservative amino acid substitution, which is not likely to impact secondary protein structure as these residues share similar properties. This substitution occurs at a position that is not conserved. However, in silico analysis is inconsistent in its predictions as to whether or not the variant is damaging to the protein structure/function. Therefore, based on the currently available information, it is unclear whether this variant is a pathogenic variant or a rare benign variant.

Natera, Inc.
Classification: Uncertain significance for Familial dysautonomia. Last evaluated: 2020-09-29. Review status: no assertion criteria provided. Collection method: clinical testing. Allele origin: germline. Not counted in ClinVar's aggregate classification.

NM_003640.5(ELP1):c.3398G>A (p.Arg1133His)

Gene: ELP1 (elongator acetyltransferase complex subunit 1; minus strand). Cytogenetic location: 9q31.3.
Variant type: single nucleotide variant.
Coding change: c.3398G>A on transcript NM_003640.5 (MANE Select); coding-DNA position 3398, G replaced by A.
Protein change: p.Arg1133His; replaces arginine 1133 with histidine.
Molecular consequence: missense variant.
Genome position (GRCh38, 1-based): chr9:108,880,114, C>T on the plus strand (G>A on the coding strand, the complement: ELP1 is on the minus strand). VCF-style: chr9-108880114-C-T. GRCh37 (hg19) VCF-style: chr9-111642394-C-T.
Other names: c.3398G>A (LRG_251t1); c.3056G>A, p.Arg1019His (NM_001318360.2); c.2351G>A, p.Arg784His (NM_001330749.2); short protein forms R1133H, R1019H, R784H.
Identifiers: ClinVar variation 426637 (VCV000426637.3), dbSNP rs143580972, ClinGen allele CA5174317.